The following is an entry in ClinVar:

ClinVar aggregate classification (germline): Likely pathogenic (1 of 4 stars; one submission).

Allele frequency attached by ClinVar (database versions not stated): gnomAD exomes below 0.00001.
gnomAD v4.1: 1 of 1,608,032 alleles (0.000062%); highest among the groups gnomAD compares: Non-Finnish European, 0.000085%; no homozygotes.

Submission:

Labcorp Genetics (formerly Invitae), Labcorp
Classification: Likely pathogenic. Last evaluated: 2023-08-10. Review status: criteria provided, single submitter. Criteria: Invitae Variant Classification Sherloc (09022015). Collection method: clinical testing. Allele origin: germline.
Comment: This sequence change affects an acceptor splice site in intron 14 of the TBCD gene. It is expected to disrupt RNA splicing. Variants that disrupt the donor or acceptor splice site typically lead to a loss of protein function (PMID: 16199547), and loss-of-function variants in TBCD are known to be pathogenic (PMID: 27666370, 27666374). This variant is not present in population databases (gnomAD no frequency). This variant has not been reported in the literature in individuals affected with TBCD-related conditions. Algorithms developed to predict the effect of sequence changes on RNA splicing suggest that this variant may disrupt the consensus splice site. In summary, the currently available evidence indicates that the variant is pathogenic, but additional data are needed to prove that conclusively. Therefore, this variant has been classified as Likely Pathogenic.

Literature cited by the submitters: PubMed 16199547; PubMed 27666370; PubMed 27666374.

NM_005993.5(TBCD):c.1476-1G>T

Gene: TBCD (tubulin folding cofactor D). Cytogenetic location: 17q25.3.
Variant type: single nucleotide variant.
Coding change: c.1476-1G>T on transcript NM_005993.5 (MANE Select); the canonical splice acceptor site of the intron before coding-DNA position 1476, G replaced by T.
Molecular consequence: splice acceptor variant.
Genome position (GRCh38, 1-based): chr17:82,884,144, G>T. VCF-style: chr17-82884144-G-T. GRCh37 (hg19) VCF-style: chr17-80842020-G-T.
Other names: c.1476-1G>T (NM_001411102.1); c.1425-1G>T (NM_001411101.1).
Identifiers: ClinVar variation 2794967 (VCV002794967.3), dbSNP rs2510087925, ClinGen allele CA401622700.
Genomic context (GRCh38, chr17:82,884,144, plus strand): 5'-CTGTGTGGTCTGTACTGTTTTGCAGAATTTCTTTTTAATTAATCCTTTCTCTTTTTCACA[G>T]TGCACTGGTGATTGCTGCGGTGTTTGACCGAGACATAAACTGCAGAAGAGCAGCCTCTGT-3'